The following is an entry in ClinVar:

ClinVar aggregate classification (germline): Uncertain significance (1 of 4 stars; one submission).

Conditions:
Familial thoracic aortic aneurysm and aortic dissection (TAAD). Also called: Thoracic aortic aneurysms and dissections. Identifiers: Orphanet 91387, MedGen C4707243, MONDO:0019625.

Submission:

Ambry Genetics
Classification: Uncertain significance for Familial thoracic aortic aneurysm and aortic dissection. Last evaluated: 2015-04-20. Review status: criteria provided, single submitter. Criteria: Ambry Variant Classification Scheme 2023. Collection method: clinical testing. Allele origin: germline.
Comment: The p.G1213D variant (also known as c.3638G>A), located in coding exon 21 of the FLNA gene, results from a G to A substitution at nucleotide position 3638. The glycine at codon 1213 is replaced by aspartic acid, an amino acid with similar properties. This variant was not reported in population based cohorts in the following databases: Database of Single Nucleotide Polymorphisms (dbSNP), NHLBI Exome Sequencing Project (ESP), and 1000 Genomes Project. In the ESP, this variant was not observed in 6306 samples with coverage at this position. This amino acid position is highly conserved in available vertebrate species. In addition, this alteration is predicted to be possibly damaging but tolerated by PolyPhen and SIFT in silico analyses, respectively. Since supporting evidence is limited at this time, the clinical significance of this variant remains unclear.

NM_001110556.2(FLNA):c.3638G>A (p.Gly1213Asp)

Gene: FLNA (filamin A; minus strand). Cytogenetic location: Xq28.
Variant type: single nucleotide variant.
Coding change: c.3638G>A on transcript NM_001110556.2 (MANE Select); coding-DNA position 3638, G replaced by A.
Protein change: p.Gly1213Asp; replaces glycine 1213 with aspartic acid.
Molecular consequence: missense variant.
Genome position (GRCh38, 1-based): chrX:154,360,157, C>T on the plus strand (G>A on the coding strand, the complement: FLNA is on the minus strand). VCF-style: chrX-154360157-C-T. GRCh37 (hg19) VCF-style: chrX-153588525-C-T.
Other names: c.3638G>A, p.Gly1213Asp (NM_001456.4); short protein forms G1213D.
Identifiers: ClinVar variation 263979 (VCV000263979.5), dbSNP rs886038999, ClinGen allele CA10587968.